The following is an entry in ClinVar:

NM_000548.5(TSC2):c.5317C>T (p.His1773Tyr)

Gene: TSC2 (TSC complex subunit 2; plus strand). Cytogenetic location: 16p13.3.
Variant type: single nucleotide variant.
Coding change: c.5317C>T on transcript NM_000548.5 (MANE Select); coding-DNA position 5317, C replaced by T.
Protein change: p.His1773Tyr; replaces histidine 1773 with tyrosine.
Molecular consequence: missense variant.
Genome position (GRCh38, 1-based): chr16:2,088,503, C>T. VCF-style: chr16-2088503-C-T. GRCh37 (hg19) VCF-style: chr16-2138504-C-T.
Other names: c.5116C>T, p.His1706Tyr (NM_001077183.3); c.5248C>T, p.His1750Tyr (NM_001114382.3); c.5008C>T, p.His1670Tyr (NM_001318827.2); c.4972C>T, p.His1658Tyr (NM_001318829.2); c.4585C>T, p.His1529Tyr (NM_001318831.2); c.5149C>T, p.His1717Tyr (NM_001318832.2); c.5119C>T, p.His1707Tyr (NM_001363528.2); c.5185C>T, p.His1729Tyr (NM_001370404.1); and 27 more; short protein forms H1259Y, H1281Y, H1549Y, H1669Y, H1713Y, H1717Y, H1747Y, H1302Y.
Identifiers: ClinVar variation 2092994 (VCV002092994.5), dbSNP rs1030998097, ClinGen allele CA276759978.

ClinVar aggregate classification (germline): Uncertain significance. Review status: criteria provided, multiple submitters, no conflicts (2 of 4 stars). 2 submissions from 2 submitters: Uncertain significance (2). Last evaluated 2025-08-17.

Conditions:
Tuberous sclerosis 2 (TSC2). Identifiers: Orphanet 805, MedGen C1860707, MONDO:0013199, OMIM 613254.
Hereditary cancer-predisposing syndrome. Also called: Tumor predisposition; Neoplastic Syndromes, Hereditary; Hereditary neoplastic syndrome; Hereditary Cancer Syndrome. Identifiers: Orphanet 140162, MedGen C0027672, MeSH D009386, MONDO:0015356.

Submissions (2):

Labcorp Genetics (formerly Invitae), Labcorp
Classification: Uncertain significance for Tuberous sclerosis 2. Last evaluated: 2025-08-17. Review status: criteria provided, single submitter. Criteria: Invitae Variant Classification Sherloc (09022015). Collection method: clinical testing. Allele origin: germline.
Comment: This sequence change replaces histidine, which is basic and polar, with tyrosine, which is neutral and polar, at codon 1773 of the TSC2 protein (p.His1773Tyr). This variant is not present in population databases (gnomAD no frequency). This variant has not been reported in the literature in individuals affected with TSC2-related conditions. ClinVar contains an entry for this variant (Variation ID: 2092994). Invitae Evidence Modeling of protein sequence and biophysical properties (such as structural, functional, and spatial information, amino acid conservation, physicochemical variation, residue mobility, and thermodynamic stability) indicates that this missense variant is not expected to disrupt TSC2 protein function with a negative predictive value of 95%. In summary, the available evidence is currently insufficient to determine the role of this variant in disease. Therefore, it has been classified as a Variant of Uncertain Significance.

Ambry Genetics
Classification: Uncertain significance for Hereditary cancer-predisposing syndrome. Last evaluated: 2023-10-16. Review status: criteria provided, single submitter. Criteria: Ambry Variant Classification Scheme 2023. Collection method: clinical testing. Allele origin: germline.
Comment: The p.H1773Y variant (also known as c.5317C>T), located in coding exon 41 of the TSC2 gene, results from a C to T substitution at nucleotide position 5317. The histidine at codon 1773 is replaced by tyrosine, an amino acid with similar properties. This amino acid position is conserved. In addition, the in silico prediction for this alteration is inconclusive. Since supporting evidence is limited at this time, the clinical significance of this alteration remains unclear.